The following is an entry in ClinVar:

ClinVar aggregate classification (germline): Uncertain significance (1 of 4 stars; one submission).

Submission:

GeneDx
Classification: Uncertain significance. Last evaluated: 2022-06-20. Review status: criteria provided, single submitter. Criteria: GeneDx Variant Classification Process June 2021. Collection method: clinical testing. Allele origin: germline. Affected: yes.
Comment: Not observed at significant frequency in large population cohorts (gnomAD); In silico analysis supports that this missense variant has a deleterious effect on protein structure/function; Has not been previously published as pathogenic or benign to our knowledge; Variants in candidate genes are classified as variants of uncertain significance in accordance with ACMG guidelines (Richards et al., 2015)

NM_002235.5(KCNA6):c.1126C>G (p.Leu376Val)

Genes: KCNA6 (potassium voltage-gated channel subfamily A member 6; plus strand), KCNA6-AS1 (KCNA6 antisense RNA 1; minus strand). Cytogenetic location: 12p13.32.
Variant type: single nucleotide variant.
Coding change: c.1126C>G on transcript NM_002235.5 (MANE Select); coding-DNA position 1126, C replaced by G.
Protein change: p.Leu376Val; replaces leucine 376 with valine.
Molecular consequence: missense variant. On other transcripts: non-coding transcript variant (3).
Genome position (GRCh38, 1-based): chr12:4,811,167, C>G. VCF-style: chr12-4811167-C-G. GRCh37 (hg19) VCF-style: chr12-4920333-C-G.
Other names: c.1126C>G, p.Leu376Val (NM_001395212.1, NM_001395213.1); short protein forms L376V.
Identifiers: ClinVar variation 2428866 (VCV002428866.3), dbSNP rs2497226338, ClinGen allele CA383441162.
Genomic context (GRCh38, chr12:4,811,167, plus strand): 5'-TCCCGCCACTCCAAGGGGCTGCAGATCCTGGGCAAGACCTTGCAGGCCTCCATGAGGGAG[C>G]TGGGGCTGCTCATCTTCTTCCTCTTCATCGGGGTCATCCTCTTCTCCAGTGCCGTCTACT-3'
Protein context (NP_002226.1, residues 366-386): GKTLQASMRE[Leu376Val]GLLIFFLFIG